The following is an entry in ClinVar:

NM_138576.4(BCL11B):c.89T>C (p.Leu30Pro)

Gene: BCL11B (BCL11 transcription factor B; minus strand). Cytogenetic location: 14q32.2.
Variant type: single nucleotide variant.
Coding change: c.89T>C on transcript NM_138576.4 (MANE Select); coding-DNA position 89, T replaced by C.
Protein change: p.Leu30Pro; replaces leucine 30 with proline.
Molecular consequence: missense variant.
Genome position (GRCh38, 1-based): chr14:99,257,809, A>G on the plus strand (T>C on the coding strand, the complement: BCL11B is on the minus strand). VCF-style: chr14-99257809-A-G. GRCh37 (hg19) VCF-style: chr14-99724146-A-G.
Other names: c.86T>C, p.Leu29Pro (NM_001282237.2, NM_001282238.2); c.89T>C, p.Leu30Pro (NM_022898.3); short protein forms L29P, L30P.
Identifiers: ClinVar variation 2505727 (VCV002505727.1), dbSNP rs2503928439, ClinGen allele CA390939885.
Genomic context (GRCh38, chr14:99,257,809, plus strand): 5'-CCACCCACCATCAGCCCCAGGCCACTTGGCTCCTCTATCTCCAGACCCTCGTCTTCTTCG[A>G]GGATGGCGGCCTCCACATGGTCAGCCTCTGCTGGAGACAGAAAGAAGAAAGGGAAGGGGC-3'
Protein context (NP_612808.1, residues 20-40): PEADHVEAAI[Leu30Pro]EEDEGLEIEE

ClinVar aggregate classification (germline): Uncertain significance (1 of 4 stars; one submission).

Submission:

GeneDx
Classification: Uncertain significance. Last evaluated: 2022-12-13. Review status: criteria provided, single submitter. Criteria: GeneDx Variant Classification Process June 2021. Collection method: clinical testing. Allele origin: germline. Affected: yes.
Comment: Not observed at significant frequency in large population cohorts (gnomAD); In silico analysis supports that this missense variant does not alter protein structure/function; Has not been previously published as pathogenic or benign to our knowledge